The following is an entry in ClinVar:

NM_002184.4(IL6ST):c.1108C>G (p.Leu370Val)

Gene: IL6ST (interleukin 6 cytokine family signal transducer; minus strand). Cytogenetic location: 5q11.2.
Variant type: single nucleotide variant.
Coding change: c.1108C>G on transcript NM_002184.4 (MANE Select); coding-DNA position 1108, C replaced by G.
Protein change: p.Leu370Val; replaces leucine 370 with valine.
Molecular consequence: missense variant. On other transcripts: 3 prime UTR variant (1), non-coding transcript variant (2).
Genome position (GRCh38, 1-based): chr5:55,956,184, G>C on the plus strand (C>G on the coding strand, the complement: IL6ST is on the minus strand). VCF-style: chr5-55956184-G-C. GRCh37 (hg19) VCF-style: chr5-55252012-G-C.
Other names: c.1108C>G, p.Leu370Val (NM_001190981.2, NM_001364275.2); c.898C>G, p.Leu300Val (NM_001364276.2); c.241C>G, p.Leu81Val (NM_001364277.2); c.205C>G, p.Leu69Val (NM_001364278.2); c.112C>G, p.Leu38Val (NM_001364279.2); c.*35C>G (NM_175767.3); short protein forms L38V, L300V, L69V, L81V, L370V.
Identifiers: ClinVar variation 2969648 (VCV002969648.3), dbSNP rs1440547858, ClinGen allele CA359764496.

ClinVar aggregate classification (germline): Uncertain significance (1 of 4 stars; one submission).

Allele frequency attached by ClinVar (database versions not stated): gnomAD exomes below 0.00001; gnomAD 0.00002; TOPMed 0.00002.
gnomAD v4.1: 4 of 1,612,298 alleles (0.00025%); highest among the groups gnomAD compares: African/African-American, 0.0053%; no homozygotes.

Submission:

Labcorp Genetics (formerly Invitae), Labcorp
Classification: Uncertain significance. Last evaluated: 2023-08-17. Review status: criteria provided, single submitter. Criteria: Invitae Variant Classification Sherloc (09022015). Collection method: clinical testing. Allele origin: germline.
Comment: This variant has not been reported in the literature in individuals affected with IL6ST-related conditions. In summary, the available evidence is currently insufficient to determine the role of this variant in disease. Therefore, it has been classified as a Variant of Uncertain Significance. An algorithm developed to predict the effect of missense changes on protein structure and function (PolyPhen-2) suggests that this variant is likely to be tolerated. This variant is not present in population databases (gnomAD no frequency). This sequence change replaces leucine, which is neutral and non-polar, with valine, which is neutral and non-polar, at codon 370 of the IL6ST protein (p.Leu370Val).